The following is an entry in ClinVar:

NM_013254.4(TBK1):c.289G>A (p.Val97Ile)

Gene: TBK1 (TANK binding kinase 1; plus strand). Cytogenetic location: 12q14.2.
Variant type: single nucleotide variant.
Coding change: c.289G>A on transcript NM_013254.4 (MANE Select); coding-DNA position 289, G replaced by A.
Protein change: p.Val97Ile; replaces valine 97 with isoleucine.
Molecular consequence: missense variant.
Genome position (GRCh38, 1-based): chr12:64,464,394, G>A. VCF-style: chr12-64464394-G-A. GRCh37 (hg19) VCF-style: chr12-64858174-G-A.
Other names: short protein forms V97I.
Identifiers: ClinVar variation 2007385 (VCV002007385.4), dbSNP rs2539488970, ClinGen allele CA385595460.
Genomic context (GRCh38, chr12:64,464,394, plus strand): 5'-ACAACAACAAGACATAAAGTACTTATTATGGAATTTTGTCCATGTGGGAGTTTATACACT[G>A]TTTTAGAAGAACCTTCTAATGCCTATGGACTACCAGAATCTGAATTCTTAATTGTTTTGC-3'
Protein context (NP_037386.1, residues 87-107): EFCPCGSLYT[Val97Ile]LEEPSNAYGL

ClinVar aggregate classification (germline): Uncertain significance (1 of 4 stars; one submission).

Conditions:
Frontotemporal dementia and/or amyotrophic lateral sclerosis 4. Also called: FTDALS4. Identifiers: Orphanet 275872, MedGen C4225325, MONDO:0014641, OMIM 616439.

Submission:

Labcorp Genetics (formerly Invitae), Labcorp
Classification: Uncertain significance for Frontotemporal dementia and/or amyotrophic lateral sclerosis 4. Last evaluated: 2022-06-16. Review status: criteria provided, single submitter. Criteria: Invitae Variant Classification Sherloc (09022015). Collection method: clinical testing. Allele origin: germline.
Comment: In summary, the available evidence is currently insufficient to determine the role of this variant in disease. Therefore, it has been classified as a Variant of Uncertain Significance. Advanced modeling of protein sequence and biophysical properties (such as structural, functional, and spatial information, amino acid conservation, physicochemical variation, residue mobility, and thermodynamic stability) performed at Invitae indicates that this missense variant is not expected to disrupt TBK1 protein function. This variant has not been reported in the literature in individuals affected with TBK1-related conditions. This variant is not present in population databases (gnomAD no frequency). This sequence change replaces valine, which is neutral and non-polar, with isoleucine, which is neutral and non-polar, at codon 97 of the TBK1 protein (p.Val97Ile).